The following is an entry in ClinVar:

NM_000368.5(TSC1):c.2814-1G>A

Gene: TSC1 (TSC complex subunit 1; minus strand). Cytogenetic location: 9q34.13.
Variant type: single nucleotide variant.
Coding change: c.2814-1G>A on transcript NM_000368.5 (MANE Select); the canonical splice acceptor site of the intron before coding-DNA position 2814, G replaced by A.
Molecular consequence: splice acceptor variant.
Genome position (GRCh38, 1-based): chr9:132,897,346, C>T on the plus strand (G>A on the coding strand, the complement: TSC1 is on the minus strand). VCF-style: chr9-132897346-C-T. GRCh37 (hg19) VCF-style: chr9-135772733-C-T.
Other names: c.2811-1G>A (NM_001162426.2, NM_001406599.1, NM_001406597.1 and 2 more transcripts); c.2799-1G>A (NM_001406601.1, NM_001406602.1); c.2772-1G>A (NM_001406605.1, NM_001406606.1, NM_001406607.1); c.1761-1G>A (NM_001406630.1, NM_001406629.1); c.2409-1G>A (NM_001406624.1); c.2451-1G>A (NM_001406616.1, NM_001406615.1, NM_001406618.1 and 4 more transcripts); c.2448-1G>A (NM_001406623.1, NM_001406620.1, NM_001406621.1 and 1 more transcripts); c.2814-1G>A (NM_001406594.1, NM_001406592.1, NM_001406595.1 and 2 more transcripts); and 8 more.
Identifiers: ClinVar variation 2020223 (VCV002020223.4), dbSNP rs2538483320, ClinGen allele CA375368956.

ClinVar aggregate classification (germline): Likely pathogenic (1 of 4 stars; one submission).

Conditions:
Tuberous sclerosis 1 (TSC1). Identifiers: Orphanet 805, MedGen C1854465, MONDO:0008612, OMIM 191100.

Submission:

Labcorp Genetics (formerly Invitae), Labcorp
Classification: Likely pathogenic for Tuberous sclerosis 1. Last evaluated: 2022-07-29. Review status: criteria provided, single submitter. Criteria: Invitae Variant Classification Sherloc (09022015). Collection method: clinical testing. Allele origin: germline.
Comment: Algorithms developed to predict the effect of sequence changes on RNA splicing suggest that this variant may disrupt the consensus splice site. In summary, the currently available evidence indicates that the variant is pathogenic, but additional data are needed to prove that conclusively. Therefore, this variant has been classified as Likely Pathogenic. This variant has not been reported in the literature in individuals affected with TSC1-related conditions. This variant is not present in population databases (gnomAD no frequency). This sequence change affects an acceptor splice site in intron 21 of the TSC1 gene. It is expected to disrupt RNA splicing. Variants that disrupt the donor or acceptor splice site typically lead to a loss of protein function (PMID: 16199547), and loss-of-function variants in TSC1 are known to be pathogenic (PMID: 10227394, 17304050).

Literature cited by the submitters: PubMed 16199547; PubMed 10227394; PubMed 17304050.